The following is an entry in ClinVar:

NM_002067.5(GNA11):c.628C>T (p.Arg210Trp)

Gene: GNA11 (G protein subunit alpha 11; plus strand). Cytogenetic location: 19p13.3.
Variant type: single nucleotide variant.
Coding change: c.628C>T on transcript NM_002067.5 (MANE Select); coding-DNA position 628, C replaced by T.
Protein change: p.Arg210Trp; replaces arginine 210 with tryptophan.
Molecular consequence: missense variant.
Genome position (GRCh38, 1-based): chr19:3,118,946, C>T. VCF-style: chr19-3118946-C-T. GRCh37 (hg19) VCF-style: chr19-3118944-C-T.
Other names: short protein forms R210W.
Identifiers: ClinVar variation 4753732 (VCV004753732.2).
Genomic context (GRCh38, chr19:3,118,946, plus strand): 5'-GCGCCAGGTGGCTGAGTCCTGGCGCTGTGTCCTTTCAGGATGGTGGATGTGGGGGGCCAG[C>T]GGTCGGAGCGGAGGAAGTGGATCCACTGCTTTGAGAACGTGACATCCATCATGTTTCTCG-3'
Protein context (NP_002058.2, residues 200-220): IFRMVDVGGQ[Arg210Trp]SERRKWIHCF

ClinVar aggregate classification (germline): Uncertain significance. Review status: criteria provided, single submitter (1 of 4 stars). 2 submissions from 2 submitters: Uncertain significance (1). 1 of the submissions does not count toward it. Last evaluated 2026-01-28.

Conditions:
Familial hypocalciuric hypercalcemia 2. Also called: FAMILIAL BENIGN HYPERCALCEMIA, TYPE II; Hypocalciuric hypercalcemia, familial, type II; Hypocalciuric hypercalcemia, type II. Identifiers: Orphanet 101049, Orphanet 405, MedGen C1840347, MONDO:0007792, OMIM 145981.

gnomAD v4.1: 3 of 1,613,444 alleles (0.00019%); highest among the groups gnomAD compares: Non-Finnish European, 0.00025%; no homozygotes.

Submissions (2):

Labcorp Genetics (formerly Invitae), Labcorp
Classification: Uncertain significance. Last evaluated: 2026-01-28. Review status: criteria provided, single submitter. Criteria: Invitae Variant Classification Sherloc (09022015). Collection method: clinical testing. Allele origin: germline.
Comment: This sequence change replaces arginine, which is basic and polar, with tryptophan, which is neutral and slightly polar, at codon 210 of the GNA11 protein (p.Arg210Trp). This variant is not present in population databases (gnomAD no frequency). This variant has not been reported in the literature in individuals affected with GNA11-related conditions. Invitae Evidence Modeling of protein sequence and biophysical properties (such as structural, functional, and spatial information, amino acid conservation, physicochemical variation, residue mobility, and thermodynamic stability) indicates that this missense variant is expected to disrupt GNA11 protein function with a positive predictive value of 80%. In summary, the available evidence is currently insufficient to determine the role of this variant in disease. Therefore, it has been classified as a Variant of Uncertain Significance.

Cardiovascular Genetics Laboratory, PathWest Laboratory Medicine WA - Fiona Stanley Hospital
Classification: Likely pathogenic for Familial hypocalciuric hypercalcemia 2. Last evaluated: 2024-07-23. Review status: no assertion criteria provided. Criteria: ACMG Guidelines, 2015. Collection method: clinical testing. Allele origin: germline. Affected: yes. Not counted in ClinVar's aggregate classification.